The following is an entry in ClinVar:

NM_152564.5(VPS13B):c.4399A>C (p.Ile1467Leu)

Gene: VPS13B (vacuolar protein sorting 13 homolog B; plus strand). Cytogenetic location: 8q22.2.
Variant type: single nucleotide variant.
Coding change: c.4399A>C on transcript NM_152564.5 (MANE Select); coding-DNA position 4399, A replaced by C.
Protein change: p.Ile1467Leu; replaces isoleucine 1467 with leucine.
Molecular consequence: missense variant.
Genome position (GRCh38, 1-based): chr8:99,511,278, A>C. VCF-style: chr8-99511278-A-C. GRCh37 (hg19) VCF-style: chr8-100523506-A-C.
Other names: c.4474A>C, p.Ile1492Leu (NM_017890.5); short protein forms I1467L, I1492L.
Identifiers: ClinVar variation 4810826 (VCV004810826.1).

ClinVar aggregate classification (germline): Uncertain significance (1 of 4 stars; one submission).

Conditions:
Cohen syndrome (COH1). Also called: Cutis verticis gyrata, retinitis pigmentosa, and sensorineural deafness; PEPPER SYNDROME. Identifiers: Orphanet 193, MedGen C0265223, MONDO:0008999, OMIM 216550.

Submission:

Labcorp Genetics (formerly Invitae), Labcorp
Classification: Uncertain significance for Cohen syndrome. Last evaluated: 2025-11-22. Review status: criteria provided, single submitter. Criteria: Invitae Variant Classification Sherloc (09022015). Collection method: clinical testing. Allele origin: germline.
Comment: This sequence change replaces isoleucine, which is neutral and non-polar, with leucine, which is neutral and non-polar, at codon 1492 of the VPS13B protein (p.Ile1492Leu). This variant is not present in population databases (gnomAD no frequency). This variant has not been reported in the literature in individuals affected with VPS13B-related conditions. Invitae Evidence Modeling of protein sequence and biophysical properties (such as structural, functional, and spatial information, amino acid conservation, physicochemical variation, residue mobility, and thermodynamic stability) has been performed for this missense variant. However, the output from this modeling did not meet the statistical confidence thresholds required to predict the impact of this variant on VPS13B protein function. In summary, the available evidence is currently insufficient to determine the role of this variant in disease. Therefore, it has been classified as a Variant of Uncertain Significance.